The following is an entry in ClinVar:

ClinVar aggregate classification (germline): Uncertain significance (1 of 4 stars; one submission).

Conditions:
Holoprosencephaly 5 (HPE5). Identifiers: Orphanet 2162, MedGen C1864827, MONDO:0012322, OMIM 609637.

Allele frequency attached by ClinVar (database versions not stated): gnomAD exomes below 0.00001.
gnomAD v4.1: 1 of 1,178,158 alleles (0.000085%); highest among the groups gnomAD compares: Non-Finnish European, 0.00011%; no homozygotes.

Submission:

Labcorp Genetics (formerly Invitae), Labcorp
Classification: Uncertain significance for Holoprosencephaly 5. Last evaluated: 2022-03-19. Review status: criteria provided, single submitter. Criteria: Invitae Variant Classification Sherloc (09022015). Collection method: clinical testing. Allele origin: germline.
Comment: This variant is not present in population databases (gnomAD no frequency). In summary, the available evidence is currently insufficient to determine the role of this variant in disease. Therefore, it has been classified as a Variant of Uncertain Significance. Algorithms developed to predict the effect of missense changes on protein structure and function output the following: SIFT: "Deleterious"; PolyPhen-2: "Not Available"; Align-GVGD: "Class C0". The alanine amino acid residue is found in multiple mammalian species, which suggests that this missense change does not adversely affect protein function. This variant has not been reported in the literature in individuals affected with ZIC2-related conditions. This sequence change replaces glycine, which is neutral and non-polar, with alanine, which is neutral and non-polar, at codon 512 of the ZIC2 protein (p.Gly512Ala).

NM_007129.5(ZIC2):c.1535G>C (p.Gly512Ala)

Gene: ZIC2 (Zic family zinc finger 2; plus strand). Cytogenetic location: 13q32.3.
Variant type: single nucleotide variant.
Coding change: c.1535G>C on transcript NM_007129.5 (MANE Select); coding-DNA position 1535, G replaced by C.
Protein change: p.Gly512Ala; replaces glycine 512 with alanine.
Molecular consequence: missense variant.
Genome position (GRCh38, 1-based): chr13:99,985,618, G>C. VCF-style: chr13-99985618-G-C. GRCh37 (hg19) VCF-style: chr13-100637872-G-C.
Other names: short protein forms G512A.
Identifiers: ClinVar variation 2114119 (VCV002114119.4), dbSNP rs771603806, ClinGen allele CA388639762.
Genomic context (GRCh38, chr13:99,985,618, plus strand): 5'-GCAGCGGCAGTGGCGGGGGCGGCGGCGGGGCGGGCGGCGGGGGCGGCGGCAGCTCTGGCG[G>C]GGGCAGCGGGACAGCCGGGGGTCACAGCGGCCTCTCCTCCAACTTCAATGAATGGTACGT-3'
Protein context (NP_009060.2, residues 502-522): AGGGGGGSSG[Gly512Ala]GSGTAGGHSG